The following is an entry in ClinVar:

NM_003079.5(SMARCE1):c.1135_1138del (p.Glu379fs)

Gene: SMARCE1 (SWI/SNF related BAF chromatin remodeling complex subunit E1; minus strand). Cytogenetic location: 17q21.2.
Variant type: Deletion.
Coding change: c.1135_1138del on transcript NM_003079.5 (MANE Select); coding-DNA positions 1135 to 1138, 4 bases deleted (GAGG; older notation c.1135_1138delGAGG).
Protein change: p.Glu379fs; shifts the reading frame from glutamic acid 379.
Molecular consequence: frameshift variant.
Genome position (GRCh38, 1-based): chr17:40,628,883-40,628,886, CCTC deleted on the plus strand (GAGG on the coding strand, the reverse complement: SMARCE1 is on the minus strand). VCF-style (leftmost placement, unchanged base first): chr17-40628882-TCCTC-T. GRCh37 (hg19) VCF-style: chr17-38785134-TCCTC-T.
Other names: short protein forms E379fs.
Identifiers: ClinVar variation 818407 (VCV000818407.4), dbSNP rs1597741244, ClinGen allele CA915950002.

ClinVar aggregate classification (germline): Uncertain significance (1 of 4 stars; one submission).

Conditions:
Hereditary cancer-predisposing syndrome. Also called: Tumor predisposition; Hereditary neoplastic syndrome; Neoplastic Syndromes, Hereditary; Hereditary Cancer Syndrome. Identifiers: Orphanet 140162, MedGen C0027672, MeSH D009386, MONDO:0015356.

Submission:

Ambry Genetics
Classification: Uncertain significance for Hereditary cancer-predisposing syndrome. Last evaluated: 2019-04-02. Review status: criteria provided, single submitter. Criteria: Ambry Variant Classification Scheme 2023. Collection method: clinical testing. Allele origin: germline.
Comment: The c.1135_1138delGAGG variant, located in coding exon 10 of the SMARCE1 gene, results from a deletion of 4 nucleotides at nucleotide positions 1135 to 1138, causing a translational frameshift with a predicted alternate stop codon (p.E379Kfs*62). Frameshifts are typically deleterious in nature, however, this frameshift occurs at the 3' terminus of SMARCE1, is not expected to trigger nonsense-mediated mRNA decay, and results in the elongation of the protein by 28 amino acids. The exact functional impact of these inserted amino acids is unknown at this time. Since supporting evidence is limited at this time, the clinical significance of this alteration remains unclear.